The following is an entry in ClinVar:

ClinVar aggregate classification (germline): Likely benign (1 of 4 stars; one submission).

gnomAD v4.1: 1 of 1,613,868 alleles (0.000062%); highest among the groups gnomAD compares: Non-Finnish European, 0.000085%; no homozygotes.

Submission:

CeGaT Center for Human Genetics Tuebingen
Classification: Likely benign. Last evaluated: 2022-05-01. Review status: criteria provided, single submitter. Criteria: CeGaT Center For Human Genetics Tuebingen Variant Classification Criteria Version 2. Collection method: clinical testing. Allele origin: germline. Affected: yes. Observed: 1 variant allele.
Comment: SCN4A: PM2:Supporting, BP4, BP7

NM_000334.4(SCN4A):c.4539C>T (p.Ile1513=)

Genes: GH-LCR (growth hormone locus control region; plus strand), SCN4A (sodium voltage-gated channel alpha subunit 4; minus strand). Cytogenetic location: 17q23.3.
Variant type: single nucleotide variant.
Coding change: c.4539C>T on transcript NM_000334.4 (MANE Select); coding-DNA position 4539, C replaced by T.
Protein change: p.Ile1513=; no amino-acid change (isoleucine 1513 retained).
Molecular consequence: synonymous variant.
Genome position (GRCh38, 1-based): chr17:63,941,743, G>A on the plus strand (C>T on the coding strand, the complement: SCN4A is on the minus strand). VCF-style: chr17-63941743-G-A. GRCh37 (hg19) VCF-style: chr17-62019103-G-A.
Identifiers: ClinVar variation 1694859 (VCV001694859.31), dbSNP rs56342400, ClinGen allele CA292957099.
Genomic context (GRCh38, chr17:63,941,743, plus strand): 5'-GGTGATCTCGAACAGGCAGATGATGCTGTTGCCGAAGGTCTCGAAGTTGAACATATCATC[G>A]ATGCCCGACTCCTTCTTGACGTAGGCAAAGTTGGACATGCCGAAGATGGAGTAGATGAAC-3'
Protein context (NP_000325.4, residues 1503-1523): NFAYVKKESG[Ile1513=]DDMFNFETFG